The following is an entry in ClinVar:

ClinVar aggregate classification (germline): Pathogenic (1 of 4 stars; one submission).

Conditions:
Nemaline myopathy. Also called: Myopathies, Nemaline. Identifiers: Orphanet 607, MedGen C0206157, MONDO:0018958.

Submission:

Muscle and Diseases Team, Institut de Génétique et Biologie Moléculaire et Cellulaire
Classification: Pathogenic for Nemaline myopathy. Last evaluated: 2024-03-01. Review status: criteria provided, single submitter. Criteria: ACMG Guidelines, 2015. Collection method: research. Allele origin: de novo. Affected: yes. Observed: 1 variant allele.
Comment: PS2+PM1+PM2+PP2+PP3

Literature cited by the submitters: DOI 10.1186/s13073-024-01353-0; PubMed 35810298.

NM_001100.4(ACTA1):c.466G>C (p.Asp156His)

Gene: ACTA1 (actin alpha 1, skeletal muscle; minus strand). Cytogenetic location: 1q42.13.
Variant type: single nucleotide variant.
Coding change: c.466G>C on transcript NM_001100.4 (MANE Select); coding-DNA position 466, G replaced by C.
Protein change: p.Asp156His; replaces aspartic acid 156 with histidine.
Molecular consequence: missense variant.
Genome position (GRCh38, 1-based): chr1:229,432,420, C>G on the plus strand (G>C on the coding strand, the complement: ACTA1 is on the minus strand). VCF-style: chr1-229432420-C-G. GRCh37 (hg19) VCF-style: chr1-229568167-C-G.
Other names: short protein forms D156H.
Identifiers: ClinVar variation 3233251 (VCV003233251.2), dbSNP rs2527438087.
Genomic context (GRCh38, chr1:229,432,420, plus strand): 5'-CGTGCGGCAGCGCGTAGCCCTCATAAATGGGCACGTTGTGGGTGACGCCGTCGCCGGAGT[C>G]CAGCACGATGCCTGTGCGCGCGCGGGAGAGAGTGAGTGGCTGGGGGCGAGGCCGAGGCTA-3'
Protein context (NP_001091.1, residues 146-166): ASGRTTGIVL[Asp156His]SGDGVTHNVP